The following is an entry in ClinVar:

NM_014633.5(CTR9):c.124C>T (p.His42Tyr)

Gene: CTR9 (CTR9 component of Paf1/RNA polymerase II complex; plus strand). Cytogenetic location: 11p15.4.
Variant type: single nucleotide variant.
Coding change: c.124C>T on transcript NM_014633.5 (MANE Select); coding-DNA position 124, C replaced by T.
Protein change: p.His42Tyr; replaces histidine 42 with tyrosine.
Molecular consequence: missense variant.
Genome position (GRCh38, 1-based): chr11:10,752,750, C>T. VCF-style: chr11-10752750-C-T. GRCh37 (hg19) VCF-style: chr11-10774297-C-T.
Other names: c.124C>T, p.His42Tyr (NM_001346279.2); short protein forms H42Y.
Identifiers: ClinVar variation 1524435 (VCV001524435.8), dbSNP rs1862825358, ClinGen allele CA379675415.

ClinVar aggregate classification (germline): Uncertain significance (1 of 4 stars; one submission).

Allele frequency attached by ClinVar (database versions not stated): TOPMed below 0.00001.

Submission:

Labcorp Genetics (formerly Invitae), Labcorp
Classification: Uncertain significance. Last evaluated: 2024-02-23. Review status: criteria provided, single submitter. Criteria: Invitae Variant Classification Sherloc (09022015). Collection method: clinical testing. Allele origin: germline.
Comment: This sequence change replaces histidine, which is basic and polar, with tyrosine, which is neutral and polar, at codon 42 of the CTR9 protein (p.His42Tyr). This variant is not present in population databases (gnomAD no frequency). This variant has not been reported in the literature in individuals affected with CTR9-related conditions. ClinVar contains an entry for this variant (Variation ID: 1524435). An algorithm developed to predict the effect of missense changes on protein structure and function (PolyPhen-2) suggests that this variant is likely to be tolerated. In summary, the available evidence is currently insufficient to determine the role of this variant in disease. Therefore, it has been classified as a Variant of Uncertain Significance.